The following is an entry in ClinVar:

NM_004333.6(BRAF):c.1082A>T (p.Asp361Val)

Genes: BRAF (B-Raf proto-oncogene, serine/threonine kinase; minus strand), LOC126860202 (BRD4-independent group 4 enhancer GRCh37_chr7:140493623-140494822; plus strand). Cytogenetic location: 7q34.
Variant type: single nucleotide variant.
Coding change: c.1082A>T on transcript NM_004333.6 (MANE Select); coding-DNA position 1082, A replaced by T.
Protein change: p.Asp361Val; replaces aspartic acid 361 with valine.
Molecular consequence: missense variant.
Genome position (GRCh38, 1-based): chr7:140,794,366, T>A on the plus strand (A>T on the coding strand, the complement: BRAF is on the minus strand). VCF-style: chr7-140794366-T-A. GRCh37 (hg19) VCF-style: chr7-140494166-T-A.
Other names: c.1082A>T, p.Asp361Val (NM_001354609.2, NM_001374244.1, NM_001374258.1 and 4 more transcripts); c.1091A>T, p.Asp364Val (NM_001378467.1); c.980A>T, p.Asp327Val (NM_001378470.1); c.926A>T, p.Asp309Val (NM_001378472.1, NM_001378473.1); c.818A>T, p.Asp273Val (NM_001378475.1); short protein forms D273V, D309V, D327V, D361V, D364V.
Identifiers: ClinVar variation 4072207 (VCV004072207.1).
Genomic context (GRCh38, chr7:140,794,366, plus strand): 5'-ACATCAATATTGACAGGTTCTATTGTGTTTATATGCACATTGGGAGCTGATGAGGATCGG[T>A]CTCGTTGCCCAAATTGATTTCGATGATCTTCATCTGCTGGTCGGAAGGGCTGTGGAATTG-3'
Protein context (NP_004324.2, residues 351-371): EDHRNQFGQR[Asp361Val]RSSSAPNVHI

ClinVar aggregate classification (germline): Likely pathogenic (1 of 4 stars; one submission).

Conditions:
Costello syndrome (CSTLO). Also called: FACIOCUTANEOSKELETAL SYNDROME; FCS SYNDROME; HRAS-Related Costello Syndrome. Identifiers: Orphanet 3071, MedGen C0587248, MONDO:0009026, OMIM 218040.

Submission:

Costello Syndrome Team Work, Hebron Governmental Hospital
Classification: Likely pathogenic for Costello syndrome. Last evaluated: 2022-05-10. Review status: criteria provided, single submitter. Criteria: ACMG Guidelines, 2015. Collection method: clinical testing. Allele origin: de novo. Affected: yes.
Comment: The BRAF c.1082A>T (p.Lys601Ile) variant is classified as Likely Pathogenic based on the ACMG 2015 guidelines: The variant affects codon 601, a known mutational hotspot within the BRAF kinase domain, adjacent to the well-characterized pathogenic codon 600 (PM1). It is absent from large population databases (e.g., gnomAD), consistent with a rare variant not observed in the general population (PM2). BRAF is a gene with low benign missense variation and is known to be disease-causing through missense changes (PP2). Multiple computational tools predict a damaging effect on protein structure/function (e.g., REVEL, SIFT, PolyPhen-2) (PP3). Based on the above evidence, this variant meets criteria for Likely Pathogenic.